The following is an entry in ClinVar:

ClinVar aggregate classification (germline): Uncertain significance (1 of 4 stars; one submission).

Allele frequency attached by ClinVar (database versions not stated): gnomAD 0.00001; gnomAD exomes 0.00001; TOPMed 0.00001.
gnomAD v4.1: 5 of 1,612,452 alleles (0.00031%); highest among the groups gnomAD compares: East Asian, 0.0022%; no homozygotes.

Submission:

Labcorp Genetics (formerly Invitae), Labcorp
Classification: Uncertain significance. Last evaluated: 2026-01-24. Review status: criteria provided, single submitter. Criteria: Invitae Variant Classification Sherloc (09022015). Collection method: clinical testing. Allele origin: germline.
Comment: This sequence change affects a donor splice site in intron 10 of the TNNT3 gene. It is expected to disrupt RNA splicing. Variants that disrupt the donor or acceptor splice site typically lead to a loss of protein function (PMID: 16199547), however the current clinical and genetic evidence is not sufficient to establish whether loss-of-function variants in TNNT3 cause disease. This variant is not present in population databases (gnomAD no frequency). This variant has not been reported in the literature in individuals affected with TNNT3-related conditions. ClinVar contains an entry for this variant (Variation ID: 1943508). Algorithms developed to predict the effect of sequence changes on RNA splicing suggest that this variant may disrupt the consensus splice site. In summary, the available evidence is currently insufficient to determine the role of this variant in disease. Therefore, it has been classified as a Variant of Uncertain Significance.

Literature cited by the submitters: PubMed 16199547.

NM_006757.4(TNNT3):c.288+1G>A

Gene: TNNT3 (troponin T3, fast skeletal type; plus strand). Cytogenetic location: 11p15.5.
Variant type: single nucleotide variant.
Coding change: c.288+1G>A on transcript NM_006757.4 (MANE Select); the canonical splice donor site of the intron after coding-DNA position 288, G replaced by A.
Molecular consequence: splice donor variant.
Genome position (GRCh38, 1-based): chr11:1,933,838, G>A. VCF-style: chr11-1933838-G-A. GRCh37 (hg19) VCF-style: chr11-1955068-G-A.
Other names: c.264+1G>A (NM_001297646.2, NM_001042780.3, NM_001042782.3 and 2 more transcripts); c.321+1G>A (NM_001367846.1); c.297+1G>A (NM_001363561.2, NM_001367847.1); c.282+1G>A (NM_001042781.3, NM_001367843.1, NM_001367842.1); c.285+1G>A (NM_001367848.1); c.231+1G>A (NM_001367850.1); c.84+1G>A (NM_001367851.1, NM_001367852.1); c.276+1G>A (NM_001367849.1).
Identifiers: ClinVar variation 1943508 (VCV001943508.5), dbSNP rs913701002, ClinGen allele CA216209567.